The following is an entry in ClinVar:

NM_014336.5(AIPL1):c.381C>T (p.Phe127=)

Gene: AIPL1 (AIP like 1 HSP90 co-chaperone; minus strand). Cytogenetic location: 17p13.2.
Variant type: single nucleotide variant.
Coding change: c.381C>T on transcript NM_014336.5 (MANE Select); coding-DNA position 381, C replaced by T.
Protein change: p.Phe127=; no amino-acid change (phenylalanine 127 retained).
Molecular consequence: synonymous variant. On other transcripts: intron variant (1).
Genome position (GRCh38, 1-based): chr17:6,428,402, G>A on the plus strand (C>T on the coding strand, the complement: AIPL1 is on the minus strand). VCF-style: chr17-6428402-G-A. GRCh37 (hg19) VCF-style: chr17-6331722-G-A.
Other names: c.201C>T, p.Phe67= (NM_001033055.3); c.345C>T, p.Phe115= (NM_001285399.3); c.315C>T, p.Phe105= (NM_001285400.3); c.381C>T, p.Phe127= (NM_001285401.3, NM_001285403.4); c.264C>T, p.Phe88= (NM_001285402.2); c.277-1345C>T (NM_001033054.3); c.381C>T (NM_014336.4).
Identifiers: ClinVar variation 2192367 (VCV002192367.6), dbSNP rs147264906, ClinGen allele CA8328527.

ClinVar aggregate classification (germline): Likely benign. Review status: criteria provided, multiple submitters, no conflicts (2 of 4 stars). 3 submissions from 3 submitters: Likely benign (3). Last evaluated 2026-02-10.

Conditions:
AIPL1-related disorder. Also called: AIPL1-related disorders; AIPL1-related condition. Identifiers: MedGen CN239169.
Leber congenital amaurosis 4 (LCA4). Identifiers: MedGen C1858386, MONDO:0011458, OMIM 604393.

Allele frequency attached by ClinVar (database versions not stated): ESP Exome Variant Server 0.00008.
gnomAD v4.1: 46 of 1,613,110 alleles (0.0029%); highest among the groups gnomAD compares: African/African-American, 0.0053%; no homozygotes.

Submissions (3):

PreventionGenetics, part of Exact Sciences
Classification: Likely benign for AIPL1-related condition. Last evaluated: 2026-02-10. Review status: criteria provided, single submitter. Criteria: ACMG Guidelines, 2015. Collection method: clinical testing. Allele origin: germline.
Comment: This variant is classified as likely benign based on ACMG/AMP sequence variant interpretation guidelines (Richards et al. 2015 PMID: 25741868, with internal and published modifications).

Labcorp Genetics (formerly Invitae), Labcorp
Classification: Likely benign for Leber congenital amaurosis 4. Last evaluated: 2026-02-02. Review status: criteria provided, single submitter. Criteria: Invitae Variant Classification Sherloc (09022015). Collection method: clinical testing. Allele origin: germline.

Blueprint Genetics
Classification: Likely benign. Last evaluated: 2024-10-22. Review status: criteria provided, single submitter. Criteria: ACMG Guidelines, 2015. Collection method: clinical testing. Allele origin: germline.